The following is an entry in ClinVar:

ClinVar aggregate classification (germline): Uncertain significance (1 of 4 stars; one submission).

Conditions:
Hereditary cancer-predisposing syndrome. Also called: Neoplastic Syndromes, Hereditary; Tumor predisposition; Hereditary Cancer Syndrome; Hereditary neoplastic syndrome. Identifiers: Orphanet 140162, MedGen C0027672, MeSH D009386, MONDO:0015356.

Submission:

Ambry Genetics
Classification: Uncertain significance for Hereditary cancer-predisposing syndrome. Last evaluated: 2022-07-02. Review status: criteria provided, single submitter. Criteria: Ambry Variant Classification Scheme 2023. Collection method: clinical testing. Allele origin: germline.
Comment: The p.S547N variant (also known as c.1640G>A), located in coding exon 14 of the MRE11A gene, results from a G to A substitution at nucleotide position 1640. The serine at codon 547 is replaced by asparagine, an amino acid with highly similar properties. This amino acid position is conserved. In addition, this alteration is predicted to be tolerated by in silico analysis. Since supporting evidence is limited at this time, the clinical significance of this alteration remains unclear.

NM_005591.4(MRE11):c.1640G>A (p.Ser547Asn)

Gene: MRE11 (MRE11 double strand break repair nuclease; minus strand). Cytogenetic location: 11q21.
Variant type: single nucleotide variant.
Coding change: c.1640G>A on transcript NM_005591.4 (MANE Select); coding-DNA position 1640, G replaced by A.
Protein change: p.Ser547Asn; replaces serine 547 with asparagine.
Molecular consequence: missense variant.
Genome position (GRCh38, 1-based): chr11:94,447,362, C>T on the plus strand (G>A on the coding strand, the complement: MRE11 is on the minus strand). VCF-style: chr11-94447362-C-T. GRCh37 (hg19) VCF-style: chr11-94180528-C-T.
Other names: c.1640G>A, p.Ser547Asn (NM_001330347.2, NM_005590.4); short protein forms S547N.
Identifiers: ClinVar variation 1800132 (VCV001800132.2), dbSNP rs2496296208, ClinGen allele CA382368532.